The following is an entry in ClinVar:

ClinVar aggregate classification (germline): Uncertain significance. Review status: criteria provided, multiple submitters, no conflicts (2 of 4 stars). 2 submissions from 2 submitters: Uncertain significance (2). Last evaluated 2023-12-20.

Allele frequency attached by ClinVar (database versions not stated): gnomAD exomes below 0.00001.
gnomAD v4.1: 4 of 1,614,056 alleles (0.00025%); highest among the groups gnomAD compares: Non-Finnish European, 0.00034%; no homozygotes.

Submissions (2):

Ambry Genetics
Classification: Uncertain significance. Last evaluated: 2023-12-20. Review status: criteria provided, single submitter. Criteria: Ambry Variant Classification Scheme 2023. Collection method: clinical testing. Allele origin: germline.

Labcorp Genetics (formerly Invitae), Labcorp
Classification: Uncertain significance. Last evaluated: 2019-10-22. Review status: criteria provided, single submitter. Criteria: Invitae Variant Classification Sherloc (09022015). Collection method: clinical testing. Allele origin: germline.
Comment: In summary, the available evidence is currently insufficient to determine the role of this variant in disease. Therefore, it has been classified as a Variant of Uncertain Significance. Algorithms developed to predict the effect of missense changes on protein structure and function are either unavailable or do not agree on the potential impact of this missense change (SIFT: "Tolerated"; PolyPhen-2: "Probably Damaging"; Align-GVGD: "Class C0"). This variant has not been reported in the literature in individuals with SEMA4A-related conditions. This variant is not present in population databases (ExAC no frequency). This sequence change replaces proline with leucine at codon 177 of the SEMA4A protein (p.Pro177Leu). The proline residue is moderately conserved and there is a moderate physicochemical difference between proline and leucine.

NM_022367.4(SEMA4A):c.530C>T (p.Pro177Leu)

Gene: SEMA4A (semaphorin 4A; plus strand). Cytogenetic location: 1q22.
Variant type: single nucleotide variant.
Coding change: c.530C>T on transcript NM_022367.4 (MANE Select); coding-DNA position 530, C replaced by T.
Protein change: p.Pro177Leu; replaces proline 177 with leucine.
Molecular consequence: missense variant.
Genome position (GRCh38, 1-based): chr1:156,158,786, C>T. VCF-style: chr1-156158786-C-T. GRCh37 (hg19) VCF-style: chr1-156128577-C-T.
Other names: c.530C>T, p.Pro177Leu (NM_001193300.2, NM_001193301.2, NM_001370567.1); c.134C>T, p.Pro45Leu (NM_001193302.2); c.233C>T, p.Pro78Leu (NM_001370568.1); c.23C>T, p.Pro8Leu (NM_001370569.1, NM_001370571.1); short protein forms P8L, P45L, P177L, P78L.
Identifiers: ClinVar variation 957324 (VCV000957324.10), dbSNP rs1653292795, ClinGen allele CA342836460.